The following is an entry in ClinVar:

ClinVar aggregate classification (germline): Likely benign (1 of 4 stars; one submission).

Allele frequency attached by ClinVar (database versions not stated): gnomAD 0.00002; gnomAD exomes 0.00002; TOPMed below 0.00001; ExAC 0.00002; 1000 Genomes Project 30x 0.00016; 1000 Genomes Project 0.00020.
gnomAD v4.1: 31 of 1,613,926 alleles (0.0019%); highest among the groups gnomAD compares: Middle Eastern, 0.066%; no homozygotes.

Submission:

CeGaT Center for Human Genetics Tuebingen
Classification: Likely benign. Last evaluated: 2022-06-01. Review status: criteria provided, single submitter. Criteria: CeGaT Center For Human Genetics Tuebingen Variant Classification Criteria Version 2. Collection method: clinical testing. Allele origin: germline. Affected: yes. Observed: 1 variant allele.
Comment: MUC4: BP4, BP7

NM_018406.7(MUC4):c.759C>G (p.Val253=)

Gene: MUC4 (mucin 4, cell surface associated). Cytogenetic location: 3q29.
Variant type: single nucleotide variant.
Coding change: c.759C>G on transcript NM_018406.7 (MANE Select); coding-DNA position 759, C replaced by G.
Protein change: p.Val253=; no amino-acid change (valine 253 retained).
Molecular consequence: synonymous variant. On other transcripts: genic upstream transcript variant (2).
Genome position (GRCh38, 1-based): chr3:195,790,821, G>C on the plus strand (C>G on the coding strand, the complement: MUC4 is on the minus strand). VCF-style: chr3-195790821-G-C. GRCh37 (hg19) VCF-style: chr3-195517692-G-C.
Other names: c.774C>G, p.Val258= (NM_001322468.1); c.83-16516C>G (NM_138297.5); c.83-12366C>G (NM_004532.6).
Identifiers: ClinVar variation 2654493 (VCV002654493.24), dbSNP rs138465771, ClinGen allele CA2775440.